The following is an entry in ClinVar:

NM_032193.4(RNASEH2C):c.178dup (p.Glu60fs)

Gene: RNASEH2C (ribonuclease H2 subunit C; minus strand). Cytogenetic location: 11q13.1.
Variant type: Duplication.
Coding change: c.178dup on transcript NM_032193.4 (MANE Select); coding-DNA position 178, one base duplicated (G; older notation c.178dupG).
Protein change: p.Glu60fs; shifts the reading frame from glutamic acid 60.
Molecular consequence: frameshift variant.
Genome position (GRCh38, 1-based): chr11:65,720,412, C duplicated on the plus strand (G on the coding strand, the reverse complement: RNASEH2C is on the minus strand). VCF-style (leftmost placement, unchanged base first): chr11-65720411-T-TC. GRCh37 (hg19) VCF-style: chr11-65487882-T-TC.
Other names: c.178dupG (NM_032193.3); short protein forms E60fs.
Identifiers: ClinVar variation 203392 (VCV000203392.5), dbSNP rs772940104, ClinGen allele CA275523.

ClinVar aggregate classification (germline): Conflicting classifications of pathogenicity. Review status: criteria provided, conflicting classifications (1 of 4 stars). 4 submissions from 3 submitters: Pathogenic (1); Uncertain significance (1). 2 of the submissions do not count toward it. Last evaluated 2022-09-06.

Conditions:
Inborn genetic diseases. Identifiers: MedGen C0950123, MeSH D030342.
Aicardi-Goutieres syndrome 3. Identifiers: Orphanet 51, MedGen C1835916, MONDO:0012471, OMIM 610329.

Allele frequency attached by ClinVar (database versions not stated): gnomAD exomes 0.00001.

Submissions (4):

Ambry Genetics
Classification: Pathogenic for Inborn genetic diseases. Last evaluated: 2022-09-06. Review status: criteria provided, single submitter. Criteria: Ambry Variant Classification Scheme 2023. Collection method: clinical testing. Allele origin: germline.
Comment: The c.178dupG (p.E60Gfs*46) alteration, located in exon 2 (coding exon 2) of the RNASEH2C gene, consists of a duplication of G at position 178, causing a translational frameshift with a predicted alternate stop codon after 46 amino acids. This alteration is expected to result in loss of function by premature protein truncation or nonsense-mediated mRNA decay. This variant was not reported in population-based cohorts in the Genome Aggregation Database (gnomAD). Based on the available evidence, this alteration is classified as pathogenic.

Labcorp Genetics (formerly Invitae), Labcorp
Classification: Uncertain significance for Aicardi-Goutieres syndrome 3. Last evaluated: 2021-07-12. Review status: criteria provided, single submitter. Criteria: Invitae Variant Classification Sherloc (09022015). Collection method: clinical testing. Allele origin: germline.
Comment: This sequence change creates a premature translational stop signal (p.Glu60Glyfs*46) in the RNASEH2C gene. It is expected to result in an absent or disrupted protein product. However, the current clinical and genetic evidence is not sufficient to establish whether loss-of-function variants in RNASEH2C cause disease. This variant is not present in population databases (ExAC no frequency). This variant has not been reported in the literature in individuals affected with RNASEH2C-related conditions. ClinVar contains an entry for this variant (Variation ID: 203392). In summary, the available evidence is currently insufficient to determine the role of this variant in disease. Therefore, it has been classified as a Variant of Uncertain Significance.

Division of Human Genetics, Children's Hospital of Philadelphia
Classification: Likely pathogenic for Aicardi-Goutieres syndrome 3. Last evaluated: 2015-05-26. Review status: no assertion criteria provided. Collection method: research. Allele origin: paternal. Affected: yes. Study: CSER-PediSeq. Not counted in ClinVar's aggregate classification.

Division of Human Genetics, Children's Hospital of Philadelphia
Classification: Likely pathogenic for Aicardi-Goutieres syndrome 3. Last evaluated: 2015-05-26. Review status: flagged submission. Collection method: research. Allele origin: paternal. Affected: yes. Study: CSER-PediSeq. Not counted in ClinVar's aggregate classification.
Comment: The RNASEH2C variant (c.178dup; p.Glu60Glyfs*46) is considered likely pathogenic because it results in the premature truncation of the transcript, which may be affected by nonsense mediated decay. Another frameshift variant has been reported downstream of this position.
ClinVar note: Reason: This record appears to be redundant with a more recent record from the same submitter.
ClinVar note: Notes: SCV000238474 appears to be redundant with SCV000536915.